The following is an entry in ClinVar:

ClinVar aggregate classification (germline): Conflicting classifications of pathogenicity. Review status: criteria provided, conflicting classifications (1 of 4 stars). 2 submissions from 1 submitter: Uncertain significance (1); Benign (1). Last evaluated 2018-01-12.

Conditions:
Sacral defect with anterior meningocele. Identifiers: MedGen C1838568, OMIM 600145.
Neural tube defect (NTD). Also called: Neural tube defects. Identifiers: Orphanet 3388, Orphanet 823, MedGen C0027794, MONDO:0018075, HP:0045005.

Allele frequency attached by ClinVar (database versions not stated): gnomAD 0.00082 and 0.00089; TOPMed 0.00086; 1000 Genomes Project 30x 0.00125; 1000 Genomes Project 0.00140.

Submissions (2):

Illumina Laboratory Services, Illumina
Classification: Uncertain significance for Neural tube defects, susceptibility to. Last evaluated: 2018-01-12. Review status: criteria provided, single submitter. Criteria: ICSL Variant Classification Criteria 13 December 2019. Collection method: clinical testing. Allele origin: germline.

Illumina Laboratory Services, Illumina
Classification: Benign for Sacral defect with anterior meningocele. Last evaluated: 2018-01-12. Review status: criteria provided, single submitter. Criteria: ICSL Variant Classification Criteria 13 December 2019. Collection method: clinical testing. Allele origin: germline.
Comment: This variant was observed in the ICSL laboratory as part of a predisposition screen in an ostensibly healthy population. It had not been previously curated by ICSL or reported in the Human Gene Mutation Database (HGMD: prior to June 1st, 2018), and was therefore a candidate for classification through an automated scoring system. Utilizing variant allele frequency, disease prevalence and penetrance estimates, and inheritance mode, an automated score was calculated to assess if this variant is too frequent to cause the disease. Based on the score and internal cut-off values, a variant classified as benign is not then subjected to further curation. The score for this variant resulted in a classification of benign for this disease.

NM_138959.3(VANGL1):c.*5808C>T

Gene: VANGL1 (VANGL planar cell polarity protein 1; plus strand). Cytogenetic location: 1p13.1.
Variant type: single nucleotide variant.
Coding change: c.*5808C>T on transcript NM_138959.3 (MANE Select); 5808 bases downstream of the stop codon, C replaced by T.
Molecular consequence: 3 prime UTR variant.
Genome position (GRCh38, 1-based): chr1:115,697,187, C>T. VCF-style: chr1-115697187-C-T. GRCh37 (hg19) VCF-style: chr1-116239808-C-T.
Other names: c.*5808C>T (NM_001172411.2, NM_001172412.2).
Identifiers: ClinVar variation 292096 (VCV000292096.5), dbSNP rs184708484, ClinGen allele CA10607786.